The following is an entry in ClinVar:

ClinVar aggregate classification (germline): Uncertain significance. Review status: criteria provided, multiple submitters, no conflicts (2 of 4 stars). 2 submissions from 2 submitters: Uncertain significance (2). Last evaluated 2023-09-01.

Conditions:
D-2-hydroxyglutaric aciduria 2 (D2HGA2). Identifiers: Orphanet 79315, MedGen C3150909, MONDO:0013345, OMIM 613657.

Allele frequency attached by ClinVar (database versions not stated): gnomAD exomes 0.00001 and 0.00004; TOPMed 0.00001; ExAC 0.00002; gnomAD 0.00003 and 0.00004.
gnomAD v4.1: 65 of 1,614,004 alleles (0.004%); highest among the groups gnomAD compares: Non-Finnish European, 0.005%; no homozygotes.

Submissions (2):

Clinical Genomics Laboratory, Washington University in St. Louis
Classification: Uncertain significance. Last evaluated: 2023-09-01. Review status: criteria provided, single submitter. Criteria: ACMG Guidelines, 2015. Collection method: clinical testing. Allele origin: germline.
Comment: The IDH2 c.844A>G (p.Lys282Glu) variant was identified at a near heterozygous allelic fraction. This variant, to our knowledge, has not been reported in the medical literature. This variant has been reported in the ClinVar database as a variant of uncertain significance by one submitter (ClinVar Variantion ID: 657276), and in one case in the cancer database COSMIC (Genomic Mutation ID: COSV57473516). Computational predictors are uncertain as to the impact of this variant on IDH2 function. Due to limited information and based on ACMG/AMP guidelines for variant interpretation (Richards S et al., PMID: 25741868), the clinical significance of this variant is uncertain at this time.

Labcorp Genetics (formerly Invitae), Labcorp
Classification: Uncertain significance for D-2-hydroxyglutaric aciduria 2. Last evaluated: 2018-10-18. Review status: criteria provided, single submitter. Criteria: Invitae Variant Classification Sherloc (09022015). Collection method: clinical testing. Allele origin: germline.
Comment: In summary, the available evidence is currently insufficient to determine the role of this variant in disease. Therefore, it has been classified as a Variant of Uncertain Significance. Algorithms developed to predict the effect of missense changes on protein structure and function are either unavailable or do not agree on the potential impact of this missense change (SIFT: "Deleterious"; PolyPhen-2: "Benign"; Align-GVGD: "Class C55"). This variant has not been reported in the literature in individuals with IDH2-related disease. This variant is present in population databases (rs771346231, ExAC 0.003%). This sequence change replaces lysine with glutamic acid at codon 282 of the IDH2 protein (p.Lys282Glu). The lysine residue is highly conserved and there is a small physicochemical difference between lysine and glutamic acid.

NM_002168.4(IDH2):c.844A>G (p.Lys282Glu)

Gene: IDH2 (isocitrate dehydrogenase (NADP(+)) 2; minus strand). Cytogenetic location: 15q26.1.
Variant type: single nucleotide variant.
Coding change: c.844A>G on transcript NM_002168.4 (MANE Select); coding-DNA position 844, A replaced by G.
Protein change: p.Lys282Glu; replaces lysine 282 with glutamic acid.
Molecular consequence: missense variant.
Genome position (GRCh38, 1-based): chr15:90,087,235, T>C on the plus strand (A>G on the coding strand, the complement: IDH2 is on the minus strand). VCF-style: chr15-90087235-T-C. GRCh37 (hg19) VCF-style: chr15-90630467-T-C.
Other names: c.688A>G, p.Lys230Glu (NM_001289910.1); c.454A>G, p.Lys152Glu (NM_001290114.2); short protein forms K152E, K230E, K282E.
Identifiers: ClinVar variation 657276 (VCV000657276.9), dbSNP rs771346231, ClinGen allele CA7733039.
Genomic context (GRCh38, chr15:90,087,235, plus strand): 5'-CCGAAGACTTGAGGACCTGAGCCACCATGTCATCAATGAGCCGGTGCTCATACCAGATCT[T>C]ATTCTTGTCGAAGTCGGTCTTATAGTGCCTGGGAGTAAAAAGGTCTGTTATGGGGAGAGG-3'
Protein context (NP_002159.2, residues 272-292): KHYKTDFDKN[Lys282Glu]IWYEHRLIDD